The following is an entry in ClinVar:

ClinVar aggregate classification (germline): Likely benign. Review status: criteria provided, single submitter (1 of 4 stars). 2 submissions from 2 submitters: Likely benign (1). 1 of the submissions does not count toward it. Last evaluated 2026-01-05.

Conditions:
Autosomal dominant childhood-onset proximal spinal muscular atrophy with contractures (SMALED2A). Also called: Spinal muscular atrophy, lower extremity-predominant, 2A, autosomal dominant; SPINAL MUSCULAR ATROPHY, LOWER EXTREMITY-PREDOMINANT, 2A, CHILDHOOD ONSET, AUTOSOMAL DOMINANT. Identifiers: Orphanet 363447, Orphanet 363454, MedGen C4747715, MONDO:0014121, OMIM 615290.
BICD2-related disorder. Also called: BICD2-related condition.

Allele frequency attached by ClinVar (database versions not stated): gnomAD exomes 0.00001; gnomAD 0.00007 and 0.00009; TOPMed 0.00027.
gnomAD v4.1: 33 of 1,502,472 alleles (0.0022%); highest among the groups gnomAD compares: Admixed American, 0.032%; no homozygotes.

Submissions (2):

Labcorp Genetics (formerly Invitae), Labcorp
Classification: Likely benign for Autosomal dominant childhood-onset proximal spinal muscular atrophy with contractures. Last evaluated: 2026-01-05. Review status: criteria provided, single submitter. Criteria: Invitae Variant Classification Sherloc (09022015). Collection method: clinical testing. Allele origin: germline.

PreventionGenetics, part of Exact Sciences
Classification: Likely benign for BICD2-related condition. Last evaluated: 2019-02-20. Review status: no assertion criteria provided. Collection method: clinical testing. Allele origin: germline. Not counted in ClinVar's aggregate classification.
Comment: This variant is classified as likely benign based on ACMG/AMP sequence variant interpretation guidelines (Richards et al. 2015 PMID: 25741868, with internal and published modifications).

NM_001003800.2(BICD2):c.240+10G>T

Gene: BICD2 (BICD cargo adaptor 2; minus strand). Cytogenetic location: 9q22.31.
Variant type: single nucleotide variant.
Coding change: c.240+10G>T on transcript NM_001003800.2 (MANE Select); 10 bases into the intron after coding-DNA position 240, G replaced by T.
Molecular consequence: intron variant.
Genome position (GRCh38, 1-based): chr9:92,764,495, C>A on the plus strand (G>T on the coding strand, the complement: BICD2 is on the minus strand). VCF-style: chr9-92764495-C-A. GRCh37 (hg19) VCF-style: chr9-95526777-C-A.
Other names: c.240+10G>T (NM_015250.4).
Identifiers: ClinVar variation 706800 (VCV000706800.13), dbSNP rs976041248, ClinGen allele CA196321376.